The following is an entry in ClinVar:

ClinVar aggregate classification (germline): Conflicting classifications of pathogenicity. Review status: criteria provided, conflicting classifications (1 of 4 stars). 2 submissions from 2 submitters: Likely pathogenic (1); Uncertain significance (1). Last evaluated 2023-08-14.

Conditions:
Inborn genetic diseases. Identifiers: MedGen C0950123, MeSH D030342.

Allele frequency attached by ClinVar (database versions not stated): gnomAD 0.00001; TOPMed 0.00001; gnomAD exomes below 0.00001; ExAC 0.00001.
gnomAD v4.1: 5 of 1,609,516 alleles (0.00031%); highest among the groups gnomAD compares: South Asian, 0.0011%; no homozygotes.

Submissions (2):

Labcorp Genetics (formerly Invitae), Labcorp
Classification: Likely pathogenic. Last evaluated: 2023-08-14. Review status: criteria provided, single submitter. Criteria: Invitae Variant Classification Sherloc (09022015). Collection method: clinical testing. Allele origin: germline.
Comment: This variant has not been reported in the literature in individuals affected with COL4A1-related conditions. In summary, the currently available evidence indicates that the variant is pathogenic, but additional data are needed to prove that conclusively. Therefore, this variant has been classified as Likely Pathogenic. This variant disrupts the triple helix domain of COL4A1. Glycine residues within the Gly-Xaa-Yaa repeats of the triple helix domain are required for the structure and stability of fibrillar collagens (PMID: 7695699, 8218237, 19344236). In COL4A1 variants affecting these glycine residues are significantly enriched in individuals with disease (PMID: 9016532, 17078022) compared to the general population (ExAC). Advanced modeling of protein sequence and biophysical properties (such as structural, functional, and spatial information, amino acid conservation, physicochemical variation, residue mobility, and thermodynamic stability) performed at Invitae indicates that this missense variant is expected to disrupt COL4A1 protein function. ClinVar contains an entry for this variant (Variation ID: 2461073). This variant is present in population databases (rs757065258, gnomAD 0.0009%). This sequence change replaces glycine, which is neutral and non-polar, with arginine, which is basic and polar, at codon 290 of the COL4A1 protein (p.Gly290Arg).

Ambry Genetics
Classification: Uncertain significance for Inborn genetic diseases. Last evaluated: 2023-02-23. Review status: criteria provided, single submitter. Criteria: Ambry Variant Classification Scheme 2023. Collection method: clinical testing. Allele origin: germline.

Literature cited by the submitters: PubMed 7695699 (cited by Labcorp Genetics (formerly Invitae), Labcorp); PubMed 8218237 (cited by Labcorp Genetics (formerly Invitae), Labcorp); PubMed 19344236 (cited by Labcorp Genetics (formerly Invitae), Labcorp); PubMed 9016532 (cited by Labcorp Genetics (formerly Invitae), Labcorp); PubMed 17078022 (cited by Labcorp Genetics (formerly Invitae), Labcorp).

NM_001845.6(COL4A1):c.868G>A (p.Gly290Arg)

Gene: COL4A1 (collagen type IV alpha 1 chain; minus strand). Cytogenetic location: 13q34.
Variant type: single nucleotide variant.
Coding change: c.868G>A on transcript NM_001845.6 (MANE Select); coding-DNA position 868, G replaced by A.
Protein change: p.Gly290Arg; replaces glycine 290 with arginine.
Molecular consequence: missense variant.
Genome position (GRCh38, 1-based): chr13:110,205,529, C>T on the plus strand (G>A on the coding strand, the complement: COL4A1 is on the minus strand). VCF-style: chr13-110205529-C-T. GRCh37 (hg19) VCF-style: chr13-110857876-C-T.
Other names: c.868G>A, p.Gly290Arg (NM_001303110.2); short protein forms G290R.
Identifiers: ClinVar variation 2461073 (VCV002461073.5), dbSNP rs757065258, ClinGen allele CA7048270.
Genomic context (GRCh38, chr13:110,205,529, plus strand): 5'-GTAAAAACCACAGAGAAACACTTACGGGACTCCCTTTTTCCCCTTTGTCACCATCTTTTC[C>T]GGGTTTGCCCTGTAGAATAAAGATGTAAACGTTAGTATTTAATAAATAATAGACTGCGCG-3'
Protein context (NP_001836.3, residues 280-300): PGKPGPRGKP[Gly290Arg]KDGDKGEKGS